The following is an entry in ClinVar:

ClinVar aggregate classification (germline): Uncertain significance. Review status: criteria provided, multiple submitters, no conflicts (2 of 4 stars). 2 submissions from 2 submitters: Uncertain significance (2). Last evaluated 2025-02-19.

Conditions:
Inborn genetic diseases. Identifiers: MedGen C0950123, MeSH D030342.

Allele frequency attached by ClinVar (database versions not stated): ExAC 0.00002; gnomAD 0.00004; TOPMed 0.00005; 1000 Genomes Project 30x 0.00016; 1000 Genomes Project 0.00020.

Submissions (2):

Ambry Genetics
Classification: Uncertain significance for Inborn genetic diseases. Last evaluated: 2025-02-19. Review status: criteria provided, single submitter. Criteria: Ambry Variant Classification Scheme 2023. Collection method: clinical testing. Allele origin: germline.

Labcorp Genetics (formerly Invitae), Labcorp
Classification: Uncertain significance. Last evaluated: 2024-08-04. Review status: criteria provided, single submitter. Criteria: Invitae Variant Classification Sherloc (09022015). Collection method: clinical testing. Allele origin: germline.
Comment: This sequence change replaces arginine, which is basic and polar, with glutamine, which is neutral and polar, at codon 1393 of the C3 protein (p.Arg1393Gln). This variant is present in population databases (rs575119407, gnomAD 0.006%). This variant has not been reported in the literature in individuals affected with C3-related conditions. ClinVar contains an entry for this variant (Variation ID: 2397653). Advanced modeling of protein sequence and biophysical properties (such as structural, functional, and spatial information, amino acid conservation, physicochemical variation, residue mobility, and thermodynamic stability) performed at Invitae indicates that this missense variant is not expected to disrupt C3 protein function with a negative predictive value of 80%. In summary, the available evidence is currently insufficient to determine the role of this variant in disease. Therefore, it has been classified as a Variant of Uncertain Significance.

NM_000064.4(C3):c.4178G>A (p.Arg1393Gln)

Gene: C3 (complement C3; minus strand). Cytogenetic location: 19p13.3.
Variant type: single nucleotide variant.
Coding change: c.4178G>A on transcript NM_000064.4 (MANE Select); coding-DNA position 4178, G replaced by A.
Protein change: p.Arg1393Gln; replaces arginine 1393 with glutamine.
Molecular consequence: missense variant.
Genome position (GRCh38, 1-based): chr19:6,682,224, C>T on the plus strand (G>A on the coding strand, the complement: C3 is on the minus strand). VCF-style: chr19-6682224-C-T. GRCh37 (hg19) VCF-style: chr19-6682235-C-T.
Other names: short protein forms R1393Q.
Identifiers: ClinVar variation 2397653 (VCV002397653.6), dbSNP rs575119407, ClinGen allele CA9128480.